The following is an entry in ClinVar:

NM_004285.4(H6PD):c.748C>T (p.Arg250Cys)

Gene: H6PD (hexose-6-phosphate dehydrogenase/glucose 1-dehydrogenase; plus strand). Cytogenetic location: 1p36.22.
Variant type: single nucleotide variant.
Coding change: c.748C>T on transcript NM_004285.4 (MANE Select); coding-DNA position 748, C replaced by T.
Protein change: p.Arg250Cys; replaces arginine 250 with cysteine.
Molecular consequence: missense variant.
Genome position (GRCh38, 1-based): chr1:9,262,061, C>T. VCF-style: chr1-9262061-C-T. GRCh37 (hg19) VCF-style: chr1-9322120-C-T.
Other names: c.781C>T, p.Arg261Cys (NM_001282587.2); c.748C>T (NM_004285.3); short protein forms R250C, R261C.
Identifiers: ClinVar variation 2196979 (VCV002196979.2), dbSNP rs148558413, ClinGen allele CA575079.

ClinVar aggregate classification (germline): Uncertain significance. Review status: criteria provided, multiple submitters, no conflicts (2 of 4 stars). 2 submissions from 2 submitters: Uncertain significance (2). Last evaluated 2025-08-29.

Conditions:
Inborn genetic diseases. Identifiers: MedGen C0950123, MeSH D030342.

Allele frequency attached by ClinVar (database versions not stated): ExAC 0.00005; ESP Exome Variant Server 0.00008; gnomAD 0.00009; gnomAD exomes 0.00009; TOPMed 0.00009; 1000 Genomes Project 0.00040; 1000 Genomes Project 30x 0.00047.

Submissions (2):

Ambry Genetics
Classification: Uncertain significance for Inborn genetic diseases. Last evaluated: 2025-08-29. Review status: criteria provided, single submitter. Criteria: Ambry Variant Classification Scheme 2023. Collection method: clinical testing. Allele origin: germline.

Labcorp Genetics (formerly Invitae), Labcorp
Classification: Uncertain significance. Last evaluated: 2022-04-01. Review status: criteria provided, single submitter. Criteria: Invitae Variant Classification Sherloc (09022015). Collection method: clinical testing. Allele origin: germline.
Comment: This sequence change replaces arginine, which is basic and polar, with cysteine, which is neutral and slightly polar, at codon 250 of the H6PD protein (p.Arg250Cys). This variant is present in population databases (rs148558413, gnomAD 0.02%). This variant has not been reported in the literature in individuals affected with H6PD-related conditions. Algorithms developed to predict the effect of missense changes on protein structure and function (SIFT, PolyPhen-2, Align-GVGD) all suggest that this variant is likely to be disruptive. In summary, the available evidence is currently insufficient to determine the role of this variant in disease. Therefore, it has been classified as a Variant of Uncertain Significance.